The following is an entry in ClinVar:

NM_004991.4(MECOM):c.3160G>A (p.Glu1054Lys)

Gene: MECOM (MDS1 and EVI1 complex locus; minus strand). Cytogenetic location: 3q26.2.
Variant type: single nucleotide variant.
Coding change: c.3160G>A on transcript NM_004991.4 (MANE Select); coding-DNA position 3160, G replaced by A.
Protein change: p.Glu1054Lys; replaces glutamic acid 1054 with lysine.
Molecular consequence: missense variant.
Genome position (GRCh38, 1-based): chr3:169,092,962, C>T on the plus strand (G>A on the coding strand, the complement: MECOM is on the minus strand). VCF-style: chr3-169092962-C-T. GRCh37 (hg19) VCF-style: chr3-168810750-C-T.
Other names: c.2791G>A, p.Glu931Lys (NM_001105077.4); c.2596G>A, p.Glu866Lys (NM_001105078.4, NM_001205194.2, NM_001366469.2 and 1 more transcripts); c.2572G>A, p.Glu858Lys (NM_001163999.2, NM_001366470.2); c.2569G>A, p.Glu857Lys (NM_001164000.2, NM_001366471.2, NM_001366472.2); c.3133G>A, p.Glu1045Lys (NM_001366466.2); c.2599G>A, p.Glu867Lys (NM_001366467.2, NM_001366468.2); c.2161G>A, p.Glu721Lys (NM_001366473.2); c.1597G>A, p.Glu533Lys (NM_001366474.2); short protein forms E1054K, E533K, E858K, E867K, E1045K, E721K, E866K, E857K.
Identifiers: ClinVar variation 4053238 (VCV004053238.1).

ClinVar aggregate classification (germline): Uncertain significance (1 of 4 stars; one submission).

Conditions:
Inborn genetic diseases. Identifiers: MedGen C0950123, MeSH D030342.

Submission:

Ambry Genetics
Classification: Uncertain significance for Inborn genetic diseases. Last evaluated: 2025-05-05. Review status: criteria provided, single submitter. Criteria: Ambry Variant Classification Scheme 2023. Collection method: clinical testing. Allele origin: germline.
Comment: The p.E1054K variant (also known as c.3160G>A), located in coding exon 14 of the MECOM gene, results from a G to A substitution at nucleotide position 3160. The glutamic acid at codon 1054 is replaced by lysine, an amino acid with similar properties. This amino acid position is conserved. In addition, this alteration is predicted to be tolerated by in silico analysis. Based on the available evidence, the clinical significance of this variant remains unclear.